The following is an entry in ClinVar:

NM_002506.3(NGF):c.186C>T (p.Arg62=)

Genes: NGF-AS1 (NGF antisense RNA 1; plus strand), NGF (nerve growth factor; minus strand). Cytogenetic location: 1p13.2.
Variant type: single nucleotide variant.
Coding change: c.186C>T on transcript NM_002506.3 (MANE Select); coding-DNA position 186, C replaced by T.
Protein change: p.Arg62=; no amino-acid change (arginine 62 retained).
Molecular consequence: synonymous variant.
Genome position (GRCh38, 1-based): chr1:115,286,610, G>A on the plus strand (C>T on the coding strand, the complement: NGF is on the minus strand). VCF-style: chr1-115286610-G-A. GRCh37 (hg19) VCF-style: chr1-115829231-G-A.
Identifiers: ClinVar variation 643517 (VCV000643517.11), dbSNP rs780432648, ClinGen allele CA1023040.

ClinVar aggregate classification (germline): Likely benign. Review status: criteria provided, multiple submitters, no conflicts (2 of 4 stars). 2 submissions from 2 submitters: Likely benign (2). Last evaluated 2026-08-31.

Conditions:
Congenital sensory neuropathy with selective loss of small myelinated fibers (HSAN5). Also called: HSAN Type V. Identifiers: Orphanet 64752, MedGen C0020075, MONDO:0012092, OMIM 608654.
NGF-related disorder. Also called: NGF-related condition.

Allele frequency attached by ClinVar (database versions not stated): ExAC 0.00001; gnomAD exomes 0.00001; TOPMed 0.00002.
gnomAD v4.1: 13 of 1,614,202 alleles (0.00081%); highest among the groups gnomAD compares: African/African-American, 0.0013%; no homozygotes.

Submissions (2):

PreventionGenetics, part of Exact Sciences
Classification: Likely benign for NGF-related condition. Last evaluated: 2026-08-31. Review status: criteria provided, single submitter. Criteria: ACMG Guidelines, 2015. Collection method: clinical testing. Allele origin: germline.
Comment: This variant is classified as likely benign based on ACMG/AMP sequence variant interpretation guidelines (Richards et al. 2015 PMID: 25741868, with internal and published modifications).

Labcorp Genetics (formerly Invitae), Labcorp
Classification: Likely benign for Congenital sensory neuropathy with selective loss of small myelinated fibers. Last evaluated: 2022-08-09. Review status: criteria provided, single submitter. Criteria: Invitae Variant Classification Sherloc (09022015). Collection method: clinical testing. Allele origin: germline.